The following is an entry in ClinVar:

ClinVar aggregate classification (germline): Benign/Likely benign. Review status: criteria provided, multiple submitters, no conflicts (2 of 4 stars). 3 submissions from 3 submitters: Benign (1); Likely benign (2). Last evaluated 2024-12-19.

Conditions:
Hereditary cancer-predisposing syndrome. Also called: Hereditary Cancer Syndrome; Hereditary neoplastic syndrome; Neoplastic Syndromes, Hereditary; Tumor predisposition. Identifiers: Orphanet 140162, MedGen C0027672, MeSH D009386, MONDO:0015356.
Hereditary nonpolyposis colorectal neoplasms. Identifiers: MedGen C0009405, MeSH D003123.
Lynch syndrome 5 (LYNCH5). Also called: Hereditary non-polyposis colorectal cancer, type 5; Colorectal cancer, hereditary nonpolyposis, type 5. Identifiers: Orphanet 144, MedGen C1833477, MONDO:0013710, OMIM 614350. Disease mechanism: loss of function.

Submissions (3):

Myriad Genetics, Inc.
Classification: Benign for Lynch syndrome 5. Last evaluated: 2024-12-19. Review status: criteria provided, single submitter. Criteria: Myriad Autosomal Dominant, Autosomal Recessive and X-Linked Classification Criteria (2023). Collection method: clinical testing. Allele origin: unknown.
Comment: This variant is considered benign. This variant is a silent/synonymous amino acid change and it is not expected to impact splicing.

Labcorp Genetics (formerly Invitae), Labcorp
Classification: Likely benign for Hereditary nonpolyposis colorectal neoplasms. Last evaluated: 2022-06-18. Review status: criteria provided, single submitter. Criteria: Invitae Variant Classification Sherloc (09022015). Collection method: clinical testing. Allele origin: germline.

Ambry Genetics
Classification: Likely benign for Hereditary cancer-predisposing syndrome. Last evaluated: 2017-11-02. Review status: criteria provided, single submitter. Criteria: Ambry Variant Classification Scheme 2023. Collection method: clinical testing. Allele origin: germline.

NM_000179.3(MSH6):c.594G>A (p.Glu198=)

Gene: MSH6 (mutS homolog 6; plus strand). Cytogenetic location: 2p16.3.
Variant type: single nucleotide variant.
Coding change: c.594G>A on transcript NM_000179.3 (MANE Select); coding-DNA position 594, G replaced by A.
Protein change: p.Glu198=; no amino-acid change (glutamic acid 198 retained).
Molecular consequence: synonymous variant. On other transcripts: non-coding transcript variant (5), intron variant (8), 5 prime UTR variant (2).
Genome position (GRCh38, 1-based): chr2:47,796,030, G>A. VCF-style: chr2-47796030-G-A. GRCh37 (hg19) VCF-style: chr2-48023169-G-A.
Other names: c.594G>A, p.Glu198= (NM_001406817.1, NM_001407362.1, NM_001406796.1 and 5 more transcripts); c.297G>A, p.Glu99= (NM_001406818.1, NM_001406819.1, NM_001406820.1 and 10 more transcripts); c.426G>A, p.Glu142= (NM_001406826.1); c.-279-2581G>A (NM_001406811.1, NM_001281493.2, NM_001406812.1 and 4 more transcripts); c.238-2581G>A (NM_001281492.2); c.-309G>A (NM_001281494.2); c.690G>A, p.Glu230= (NM_001406795.1, NM_001406802.1); c.69G>A, p.Glu23= (NM_001406799.1, NM_001406806.1, NM_001406807.1); and 3 more.
Identifiers: ClinVar variation 1750676 (VCV001750676.8), dbSNP rs2104238890, ClinGen allele CA425993135.